The following is an entry in ClinVar:

ClinVar aggregate classification (germline): Pathogenic (1 of 4 stars; one submission).

Conditions:
X-linked agammaglobulinemia (XLA). Also called: Bruton's agammaglobulinemia; Agammaglobulinemia, Bruton tyrosine kinase; Agammaglobulinemia, BTK; BTK-deficiency; AGAMMAGLOBULINEMIA, X-LINKED, TYPE 1; IMMUNODEFICIENCY 1. Identifiers: Orphanet 229717, Orphanet 47, MedGen C0221026, MONDO:0010421, OMIM 300755.

Submission:

Women's Health and Genetics/Laboratory Corporation of America, LabCorp
Classification: Pathogenic for X-linked agammaglobulinemia. Last evaluated: 2025-04-22. Review status: criteria provided, single submitter. Criteria: LabCorp Variant Classification Summary - May 2015. Collection method: clinical testing. Allele origin: germline.
Comment: Variant summary: BTK c.280delA (p.Ile94SerfsX27) results in a premature termination codon, predicted to cause a truncation of the encoded protein or absence of the protein due to nonsense mediated decay, which are commonly known mechanisms for disease. The variant was absent in 183426 control chromosomes. To our knowledge, no occurrence of c.280delA in individuals affected with X-Linked Agammaglobulinemia and no experimental evidence demonstrating its impact on protein function have been reported. ClinVar contains an entry for this variant (Variation ID: 2506041). Based on the evidence outlined above, the variant was classified as pathogenic.

NM_000061.3(BTK):c.280del (p.Ile94fs)

Gene: BTK (Bruton tyrosine kinase; minus strand). Cytogenetic location: Xq22.1.
Variant type: Deletion.
Coding change: c.280del on transcript NM_000061.3 (MANE Select); coding-DNA position 280, one base deleted (A; older notation c.280delA).
Protein change: p.Ile94fs; shifts the reading frame from isoleucine 94.
Molecular consequence: frameshift variant.
Genome position (GRCh38, 1-based): chrX:101,371,662, T deleted on the plus strand (A on the coding strand, the reverse complement: BTK is on the minus strand); the first of 2 consecutive T bases (chrX:101,371,662-101,371,663); deleting either gives the same sequence. VCF-style (leftmost placement, unchanged base first): chrX-101371661-AT-A. GRCh37 (hg19) VCF-style: chrX-100626649-AT-A.
Other names: c.280delA (NM_000061.3, NM_000061.2); c.382del, p.Ile128fs (NM_001287344.2); c.280del, p.Ile94fs (NM_001287345.2); short protein forms I128fs, I94fs.
Identifiers: ClinVar variation 2506041 (VCV002506041.3), dbSNP rs2520668256, ClinGen allele CA2580612445.